The following is an entry in ClinVar:

ClinVar aggregate classification (germline): Uncertain significance (1 of 4 stars; one submission).

Conditions:
Hereditary cancer-predisposing syndrome. Also called: Neoplastic Syndromes, Hereditary; Tumor predisposition; Hereditary neoplastic syndrome; Hereditary Cancer Syndrome. Identifiers: Orphanet 140162, MedGen C0027672, MeSH D009386, MONDO:0015356.

Submission:

Ambry Genetics
Classification: Uncertain significance for Hereditary cancer-predisposing syndrome. Last evaluated: 2026-07-27. Review status: criteria provided, single submitter. Criteria: Ambry Variant Classification Scheme 2023. Collection method: clinical testing. Allele origin: germline.
Comment: The p.I345K variant (also known as c.1034T>A), located in coding exon 9 of the APC gene, results from a T to A substitution at nucleotide position 1034. The isoleucine at codon 345 is replaced by lysine, an amino acid with dissimilar properties. This amino acid position is conserved. In addition, in silico predictors for this gene do not accurately predict pathogenicity. Based on the available evidence, the clinical significance of this variant remains unclear.

NM_000038.6(APC):c.1034T>A (p.Ile345Lys)

Gene: APC (APC regulator of Wnt signaling pathway; plus strand). Cytogenetic location: 5q22.2.
Variant type: single nucleotide variant.
Coding change: c.1034T>A on transcript NM_000038.6 (MANE Select); coding-DNA position 1034, T replaced by A.
Protein change: p.Ile345Lys; replaces isoleucine 345 with lysine.
Molecular consequence: missense variant. On other transcripts: non-coding transcript variant (2), intron variant (15).
Genome position (GRCh38, 1-based): chr5:112,819,066, T>A. VCF-style: chr5-112819066-T-A. GRCh37 (hg19) VCF-style: chr5-112154763-T-A.
Other names: c.1034T>A, p.Ile345Lys (NM_001127510.3, NM_001354895.2, NM_001354896.2 and 4 more transcripts); c.980T>A, p.Ile327Lys (NM_001127511.3); c.1064T>A, p.Ile355Lys (NM_001354897.2, NM_001407446.1); c.959T>A, p.Ile320Lys (NM_001354898.2, NM_001407451.1); c.950T>A, p.Ile317Lys (NM_001354899.2, NM_001407452.1); c.857T>A, p.Ile286Lys (NM_001354900.2, NM_001354901.2, NM_001407453.1); c.185T>A, p.Ile62Lys (NM_001354906.2, NM_001407470.1); c.85-203T>A (NM_001407472.1, NM_001407471.1); and 5 more; short protein forms I286K, I320K, I327K, I345K, I62K, I317K, I355K.
Identifiers: ClinVar variation 5025572 (VCV005025572.1).